The following is an entry in ClinVar:

ClinVar aggregate classification (germline): Uncertain significance. Review status: criteria provided, multiple submitters, no conflicts (2 of 4 stars). 3 submissions from 3 submitters: Uncertain significance (2). 1 of the submissions does not count toward it. Last evaluated 2022-02-21.

Conditions:
Aspartylglucosaminuria (AGU). Also called: Aspartylglucos-aminuria; Aspartylglucos-amidase (AGA) deficiency; AGA DEFICIENCY; GLYCOASPARAGINASE; GLYCOSYLASPARAGINASE DEFICIENCY. Identifiers: Orphanet 93, MedGen C0268225, MONDO:0008830, OMIM 208400, HP:0012068.

Allele frequency attached by ClinVar (database versions not stated): gnomAD 0.00001; TOPMed 0.00001.
gnomAD v4.1: 10 of 1,614,014 alleles (0.00062%); highest among the groups gnomAD compares: Non-Finnish European, 0.000085%; no homozygotes.

Submissions (3):

Labcorp Genetics (formerly Invitae), Labcorp
Classification: Uncertain significance for Aspartylglucosaminuria. Last evaluated: 2022-02-21. Review status: criteria provided, single submitter. Criteria: Invitae Variant Classification Sherloc (09022015). Collection method: clinical testing. Allele origin: germline.
Comment: This sequence change replaces leucine, which is neutral and non-polar, with valine, which is neutral and non-polar, at codon 10 of the AGA protein (p.Leu10Val). This variant is present in population databases (rs753394137, gnomAD 0.04%). This variant has not been reported in the literature in individuals affected with AGA-related conditions. ClinVar contains an entry for this variant (Variation ID: 902041). Algorithms developed to predict the effect of missense changes on protein structure and function output the following: SIFT: "Tolerated"; PolyPhen-2: "Benign"; Align-GVGD: "Class C0". The valine amino acid residue is found in multiple mammalian species, which suggests that this missense change does not adversely affect protein function. In summary, the available evidence is currently insufficient to determine the role of this variant in disease. Therefore, it has been classified as a Variant of Uncertain Significance.

Illumina Laboratory Services, Illumina
Classification: Uncertain significance for Aspartylglucosaminuria. Last evaluated: 2017-04-27. Review status: criteria provided, single submitter. Criteria: ICSL Variant Classification Criteria 13 December 2019. Collection method: clinical testing. Allele origin: germline.

Natera, Inc.
Classification: Uncertain significance for Aspartylglucosaminuria. Last evaluated: 2020-04-16. Review status: no assertion criteria provided. Collection method: clinical testing. Allele origin: germline. Not counted in ClinVar's aggregate classification.

NM_000027.4(AGA):c.28C>G (p.Leu10Val)

Gene: AGA (aspartylglucosaminidase; minus strand). Cytogenetic location: 4q34.3.
Variant type: single nucleotide variant.
Coding change: c.28C>G on transcript NM_000027.4 (MANE Select); coding-DNA position 28, C replaced by G.
Protein change: p.Leu10Val; replaces leucine 10 with valine.
Molecular consequence: missense variant. On other transcripts: non-coding transcript variant (1).
Genome position (GRCh38, 1-based): chr4:177,442,348, G>C on the plus strand (C>G on the coding strand, the complement: AGA is on the minus strand). VCF-style: chr4-177442348-G-C. GRCh37 (hg19) VCF-style: chr4-178363502-G-C.
Other names: c.28C>G, p.Leu10Val (NM_001171988.2); short protein forms L10V.
Identifiers: ClinVar variation 902041 (VCV000902041.6), dbSNP rs753394137, ClinGen allele CA3147075.
Genomic context (GRCh38, chr4:177,442,348, plus strand): 5'-CCAGGGGCAGAGGGCTGGAGCAGCGCACTAGGGCCTGGCAGAGCAGAAACGGCACGAGAA[G>C]CACAGGCAAGTTCGACTTCCGCGCCATCCCTGACCACCGAAGAGACCAGCGCGAGAAAAG-3'
Protein context (NP_000018.2, residues 1-20): MARKSNLPV[Leu10Val]LVPFLLCQAL